The following is an entry in ClinVar:

NM_177438.3(DICER1):c.3464C>T (p.Thr1155Met)

Gene: DICER1 (dicer 1, ribonuclease III; minus strand). Cytogenetic location: 14q32.13.
Variant type: single nucleotide variant.
Coding change: c.3464C>T on transcript NM_177438.3 (MANE Select); coding-DNA position 3464, C replaced by T.
Protein change: p.Thr1155Met; replaces threonine 1155 with methionine.
Molecular consequence: missense variant.
Genome position (GRCh38, 1-based): chr14:95,103,932, G>A on the plus strand (C>T on the coding strand, the complement: DICER1 is on the minus strand). VCF-style: chr14-95103932-G-A. GRCh37 (hg19) VCF-style: chr14-95570269-G-A.
Other names: c.3464C>T, p.Thr1155Met (NM_001195573.1, NM_001271282.3, NM_001291628.2 and 1 more transcripts); short protein forms T1155M.
Identifiers: ClinVar variation 1384948 (VCV001384948.12), dbSNP rs766598800, ClinGen allele CA7331037.

ClinVar aggregate classification (germline): Conflicting classifications of pathogenicity. Review status: criteria provided, conflicting classifications (1 of 4 stars). 2 submissions from 2 submitters: Uncertain significance (1); Likely benign (1). Last evaluated 2025-08-09.

Conditions:
Hereditary cancer-predisposing syndrome. Also called: Tumor predisposition; Hereditary neoplastic syndrome; Neoplastic Syndromes, Hereditary; Hereditary Cancer Syndrome. Identifiers: Orphanet 140162, MedGen C0027672, MeSH D009386, MONDO:0015356.
DICER1-related tumor predisposition. Also called: DICER1 syndrome; DICER1-related pleuropulmonary blastoma cancer predisposition syndrome. Identifiers: Orphanet 284343, MedGen C3839822, MONDO:0100216.

Allele frequency attached by ClinVar (database versions not stated): gnomAD exomes below 0.00001 and 0.00001; ExAC 0.00002.
gnomAD v4.1: 7 of 1,614,172 alleles (0.00043%); highest among the groups gnomAD compares: Non-Finnish European, 0.00034%; no homozygotes.

Submissions (2):

Labcorp Genetics (formerly Invitae), Labcorp
Classification: Uncertain significance for DICER1-related tumor predisposition. Last evaluated: 2025-08-09. Review status: criteria provided, single submitter. Criteria: Invitae Variant Classification Sherloc (09022015). Collection method: clinical testing. Allele origin: germline.
Comment: This sequence change replaces threonine, which is neutral and polar, with methionine, which is neutral and non-polar, at codon 1155 of the DICER1 protein (p.Thr1155Met). This variant is present in population databases (rs766598800, gnomAD 0.003%). This variant has not been reported in the literature in individuals affected with DICER1-related conditions. ClinVar contains an entry for this variant (Variation ID: 1384948). Invitae Evidence Modeling of protein sequence and biophysical properties (such as structural, functional, and spatial information, amino acid conservation, physicochemical variation, residue mobility, and thermodynamic stability) indicates that this missense variant is not expected to disrupt DICER1 protein function with a negative predictive value of 95%. In summary, the available evidence is currently insufficient to determine the role of this variant in disease. Therefore, it has been classified as a Variant of Uncertain Significance.

Ambry Genetics
Classification: Likely benign for Hereditary cancer-predisposing syndrome. Last evaluated: 2025-07-01. Review status: criteria provided, single submitter. Criteria: Ambry Variant Classification Scheme 2023. Collection method: clinical testing. Allele origin: germline.